The following is an entry in ClinVar:

NM_001379291.1(BRD4):c.3169G>A (p.Gly1057Ser)

Gene: BRD4 (bromodomain containing 4; minus strand). Cytogenetic location: 19p13.12.
Variant type: single nucleotide variant.
Coding change: c.3169G>A on transcript NM_001379291.1 (MANE Select); coding-DNA position 3169, G replaced by A.
Protein change: p.Gly1057Ser; replaces glycine 1057 with serine.
Molecular consequence: missense variant.
Genome position (GRCh38, 1-based): chr19:15,242,900, C>T on the plus strand (G>A on the coding strand, the complement: BRD4 is on the minus strand). VCF-style: chr19-15242900-C-T. GRCh37 (hg19) VCF-style: chr19-15353711-C-T.
Other names: c.3169G>A, p.Gly1057Ser (NM_058243.3); short protein forms G1057S.
Identifiers: ClinVar variation 2081048 (VCV002081048.3), dbSNP rs754304041, ClinGen allele CA9264784.

ClinVar aggregate classification (germline): Uncertain significance (1 of 4 stars; one submission).

Allele frequency attached by ClinVar (database versions not stated): gnomAD exomes below 0.00001; gnomAD 0.00001; ExAC 0.00002; TOPMed 0.00002.

Submission:

Labcorp Genetics (formerly Invitae), Labcorp
Classification: Uncertain significance. Last evaluated: 2024-07-29. Review status: criteria provided, single submitter. Criteria: Invitae Variant Classification Sherloc (09022015). Collection method: clinical testing. Allele origin: germline.
Comment: This sequence change replaces glycine, which is neutral and non-polar, with serine, which is neutral and polar, at codon 1057 of the BRD4 protein (p.Gly1057Ser). This variant also falls at the last nucleotide of exon 14, which is part of the consensus splice site for this exon. The frequency data for this variant in the population databases is considered unreliable, as metrics indicate poor data quality at this position in the gnomAD database. This variant has not been reported in the literature in individuals affected with BRD4-related conditions. ClinVar contains an entry for this variant (Variation ID: 2081048). An algorithm developed to predict the effect of missense changes on protein structure and function outputs the following: PolyPhen-2: "Possibly Damaging". The serine amino acid residue is found in multiple mammalian species, which suggests that this missense change does not adversely affect protein function. Variants that disrupt the consensus splice site are a relatively common cause of aberrant splicing (PMID: 17576681, 9536098). In summary, the available evidence is currently insufficient to determine the role of this variant in disease. Therefore, it has been classified as a Variant of Uncertain Significance.

Literature cited by the submitters: PubMed 17576681; PubMed 9536098.